The following is an entry in ClinVar:

NM_001371727.1(GABRB2):c.542A>T (p.Tyr181Phe)

Gene: GABRB2 (gamma-aminobutyric acid type A receptor subunit beta2; minus strand). Cytogenetic location: 5q34.
Variant type: single nucleotide variant.
Coding change: c.542A>T on transcript NM_001371727.1 (MANE Select); coding-DNA position 542, A replaced by T.
Protein change: p.Tyr181Phe; replaces tyrosine 181 with phenylalanine.
Molecular consequence: missense variant.
Genome position (GRCh38, 1-based): chr5:161,336,769, T>A on the plus strand (A>T on the coding strand, the complement: GABRB2 is on the minus strand). VCF-style: chr5-161336769-T-A. GRCh37 (hg19) VCF-style: chr5-160763776-T-A.
Other names: c.542A>T, p.Tyr181Phe (NM_000813.3, NM_021911.3); short protein forms Y181F.
Identifiers: ClinVar variation 3893240 (VCV003893240.1).

ClinVar aggregate classification (germline): Pathogenic (1 of 4 stars; one submission).

Conditions:
Developmental and epileptic encephalopathy 92. Also called: EPILEPTIC ENCEPHALOPATHY, INFANTILE OR EARLY CHILDHOOD, 2. Identifiers: MedGen C4693362, MONDO:0020631, OMIM 617829.

Submission:

Illumina Laboratory Services, Illumina
Classification: Pathogenic for Developmental and epileptic encephalopathy 92. Last evaluated: 2024-01-09. Review status: criteria provided, single submitter. Criteria: ICSLVariantClassificationCriteria RUGD 01 April 2020. Collection method: clinical testing. Allele origin: unknown.
Comment: The GABRB2 c.542A>T p.(Tyr181Phe) missense variant has been identified in at least four individuals with phenotypes consistent with Dravet syndrome, developmental delays and epileptic encephalopathy; in at least two of them the variant occurred in a confirmed de novo state (PMID: 32686847; 33325057). This variant is not observed in version 2.1.1 or version 4.0.0 of the Genome Aggregation Database. The p.(Tyr181Phe) variant is located in a ligand binding N-terminal region and reported to alter the channel kinetics from activation to desensitization (PMID: 33325057; 35605087). Missense variants in GABRB2 are a known mechanism of disease (PMID: 32686847; 33325057). Based on the available evidence, the c.542A>T p.(Tyr181Phe) variant is classified as pathogenic for developmental and epileptic encephalopathy.

Literature cited by the submitters: PubMed 32686847; PubMed 33325057; PubMed 35605087.